The following is an entry in ClinVar:

ClinVar aggregate classification (germline): Uncertain significance (1 of 4 stars; one submission).

Conditions:
Chédiak-Higashi syndrome (CHS). Also called: Chediak-Higashi Syndrome. Identifiers: Orphanet 167, MedGen C0007965, MONDO:0008963, OMIM 214500.

Allele frequency attached by ClinVar (database versions not stated): gnomAD 0.00001; gnomAD exomes 0.00002; ExAC 0.00005.
gnomAD v4.1: 33 of 1,613,600 alleles (0.002%); highest among the groups gnomAD compares: South Asian, 0.027%; no homozygotes.

Submission:

Labcorp Genetics (formerly Invitae), Labcorp
Classification: Uncertain significance for Chédiak-Higashi syndrome. Last evaluated: 2022-09-07. Review status: criteria provided, single submitter. Criteria: Invitae Variant Classification Sherloc (09022015). Collection method: clinical testing. Allele origin: germline.
Comment: This sequence change replaces alanine, which is neutral and non-polar, with valine, which is neutral and non-polar, at codon 2580 of the LYST protein (p.Ala2580Val). This variant is present in population databases (rs781065710, gnomAD 0.02%). This variant has not been reported in the literature in individuals affected with LYST-related conditions. ClinVar contains an entry for this variant (Variation ID: 999047). Algorithms developed to predict the effect of missense changes on protein structure and function (SIFT, PolyPhen-2, Align-GVGD) all suggest that this variant is likely to be tolerated. In summary, the available evidence is currently insufficient to determine the role of this variant in disease. Therefore, it has been classified as a Variant of Uncertain Significance.

NM_000081.4(LYST):c.7739C>T (p.Ala2580Val)

Gene: LYST (lysosomal trafficking regulator; minus strand). Cytogenetic location: 1q42.3.
Variant type: single nucleotide variant.
Coding change: c.7739C>T on transcript NM_000081.4 (MANE Select); coding-DNA position 7739, C replaced by T.
Protein change: p.Ala2580Val; replaces alanine 2580 with valine.
Molecular consequence: missense variant.
Genome position (GRCh38, 1-based): chr1:235,751,251, G>A on the plus strand (C>T on the coding strand, the complement: LYST is on the minus strand). VCF-style: chr1-235751251-G-A. GRCh37 (hg19) VCF-style: chr1-235914551-G-A.
Other names: c.7739C>T, p.Ala2580Val (NM_001301365.1); short protein forms A2580V.
Identifiers: ClinVar variation 999047 (VCV000999047.2), dbSNP rs781065710, ClinGen allele CA1466062.
Genomic context (GRCh38, chr1:235,751,251, plus strand): 5'-ATATGATTTCAATACTCGCCAGCAATGCTTTTCCGCTTTTGAACTACTGCATGATGGGGA[G>A]CAGAAGGTGACTGGAGTGAATCTGTGAGGTTTTCAGAGTCATGATTTGCGGTGGTCCTTA-3'
Protein context (NP_000072.2, residues 2570-2590): NLTDSLQSPS[Ala2580Val]PHHAVVQKRK